The following is an entry in ClinVar:

ClinVar aggregate classification (germline): Uncertain significance (1 of 4 stars; one submission).

Submission:

Labcorp Genetics (formerly Invitae), Labcorp
Classification: Uncertain significance. Last evaluated: 2024-03-23. Review status: criteria provided, single submitter. Criteria: Invitae Variant Classification Sherloc (09022015). Collection method: clinical testing. Allele origin: germline.
Comment: This sequence change replaces leucine, which is neutral and non-polar, with phenylalanine, which is neutral and non-polar, at codon 726 of the RP1 protein (p.Leu726Phe). This variant is not present in population databases (gnomAD no frequency). This missense change has been observed in individual(s) with autosomal dominant RP1-related conditions (Invitae). Algorithms developed to predict the effect of missense changes on protein structure and function output the following: SIFT: "Not Available"; PolyPhen-2: "Benign"; Align-GVGD: "Not Available". The phenylalanine amino acid residue is found in multiple mammalian species, which suggests that this missense change does not adversely affect protein function. In summary, the available evidence is currently insufficient to determine the role of this variant in disease. Therefore, it has been classified as a Variant of Uncertain Significance.

NM_006269.2(RP1):c.2176C>T (p.Leu726Phe)

Gene: RP1 (RP1 axonemal microtubule associated; plus strand). Cytogenetic location: 8q12.1.
Variant type: single nucleotide variant.
Coding change: c.2176C>T on transcript NM_006269.2 (MANE Select); coding-DNA position 2176, C replaced by T.
Protein change: p.Leu726Phe; replaces leucine 726 with phenylalanine.
Molecular consequence: missense variant. On other transcripts: intron variant (1).
Genome position (GRCh38, 1-based): chr8:54,626,058, C>T. VCF-style: chr8-54626058-C-T. GRCh37 (hg19) VCF-style: chr8-55538618-C-T.
Other names: c.787+3770C>T (NM_001375654.1); short protein forms L726F.
Identifiers: ClinVar variation 3647364 (VCV003647364.2).